The following is an entry in ClinVar:

ClinVar aggregate classification (germline): Pathogenic (1 of 4 stars; one submission).

Submission:

Quest Diagnostics Nichols Institute San Juan Capistrano
Classification: Pathogenic. Last evaluated: 2021-11-21. Review status: criteria provided, single submitter. Criteria: ACMG/ClinGen CNV Guidelines, 2019. Collection method: clinical testing. Allele origin: unknown.
Comment: This Xq23 deletion involves several protein coding genes including the 5-prime portion of ACSL4 (OMIM 300387), PAK3 (OMIM 300142), CHRDL1(OMIM 309300) and DCX (OMIM 300067). Loss-of-function variants in CHRDL1 are associated with X-linked megalocornea in males (OMIM 309300), which is characterized by an increased corneal diameter and deep anterior chamber evident at birth with later onset of mosaic corneal degeneration (shagreen), arcus juvenilis, and presenile cataracts. Loss-of-function variants of DCX are associated with X-linked lissencephaly (OMIM 300067) in males. In addition, loss-of-function variants of ACSL4 and PAK3, have been identified in males with different forms of X-linked intellectual developmental disorders, respectively (OMIM 300387 and 300558, also refer to Cartwright 2017). Please note that the clinical presentation of female carriers of an X-linked pathogenic copy number variant (CNV) depends on X-inactivation patterns. References:- Cartwright et al., Clin Dysmorphol. 2017 Jan;26(1):38-40. PMID:27753653- Lu et al., J Clin Res Pediatr Endocrinol. 2021 Feb 4. PMID: 33535730

GRCh37/hg19 Xq23(chrX:108922296-111549785)x1

Genes: ACSL4 (acyl-CoA synthetase long chain family member 4; minus strand), ALG13 (ALG13 UDP-N-acetylglucosaminyltransferase subunit; plus strand), AMMECR1 (AMMECR nuclear protein 1; minus strand), CAPN6 (calpain 6; minus strand), CHRDL1 (chordin like 1; minus strand) and 7 more. Cytogenetic location: Xq23.
Variant type: copy number loss.
Change: copy number 1 of chrX:108,922,296-111,549,785 (2.63 Mb, GRCh37 coordinates, 1-based), cytogenetic band Xq23.
Identifiers: ClinVar variation 1809431 (VCV001809431.1).